The following is an entry in ClinVar:

NM_000038.6(APC):c.4901del (p.Pro1634fs)

Gene: APC (APC regulator of Wnt signaling pathway; plus strand). Cytogenetic location: 5q22.2.
Variant type: Deletion.
Coding change: c.4901del on transcript NM_000038.6 (MANE Select); coding-DNA position 4901, one base deleted (C; older notation c.4901delC).
Protein change: p.Pro1634fs; shifts the reading frame from proline 1634.
Molecular consequence: frameshift variant.
Genome position (GRCh38, 1-based): chr5:112,840,495, C deleted; the last of 2 consecutive C bases (chr5:112,840,494-112,840,495); deleting either gives the same sequence. VCF-style (leftmost placement, unchanged base first): chr5-112840493-AC-A. GRCh37 (hg19) VCF-style: chr5-112176190-AC-A.
Other names: c.4901del (NM_000038.5); c.4901del, p.Pro1634fs (NM_001127510.3, NM_001354895.2); c.4847del, p.Pro1616fs (NM_001127511.3); c.4955del, p.Pro1652fs (NM_001354896.2); c.4931del, p.Pro1644fs (NM_001354897.2); c.4826del, p.Pro1609fs (NM_001354898.2); c.4817del, p.Pro1606fs (NM_001354899.2); c.4778del, p.Pro1593fs (NM_001354900.2); and 6 more; short protein forms P1351fs, P1474fs, P1533fs, P1543fs, P1575fs, P1644fs, P1652fs, P1508fs.
Identifiers: ClinVar variation 374105 (VCV000374105.4), dbSNP rs1057518901, ClinGen allele CA16043407.
Genomic context (GRCh38, chr5:112,840,493, plus strand): 5'-TGTGTACAAACTTCTACCATCACAAAACAGGTTGCAACCCCAAAAGCATGTTAGTTTTAC[AC>A]CGGGGGATGATATGCCACGGGTGTATTGTGTTGAAGGGACACCTATAAACTTTTCCACAG-3'

ClinVar aggregate classification (germline): Pathogenic. Review status: criteria provided, multiple submitters, no conflicts (2 of 4 stars). 4 submissions from 4 submitters: Pathogenic (4). Last evaluated 2024-09-25.

Conditions:
Hereditary cancer-predisposing syndrome. Also called: Hereditary neoplastic syndrome; Hereditary Cancer Syndrome; Neoplastic Syndromes, Hereditary; Tumor predisposition. Identifiers: Orphanet 140162, MedGen C0027672, MeSH D009386, MONDO:0015356.
Familial adenomatous polyposis 1 (FAP1). Also called: FAMILIAL ADENOMATOUS POLYPOSIS 1, ATTENUATED; POLYPOSIS, ADENOMATOUS INTESTINAL. Identifiers: MedGen C2713442, MONDO:0021056, OMIM 175100. Disease mechanism: loss of function.
Adenomatous colonic polyposis. Identifiers: MedGen C1868071, HP:0005227.

Submissions (4):

Ambry Genetics
Classification: Pathogenic for Hereditary cancer-predisposing syndrome. Last evaluated: 2024-09-25. Review status: criteria provided, single submitter. Criteria: Ambry Variant Classification Scheme 2023. Collection method: clinical testing. Allele origin: germline.
Comment: The c.4901delC pathogenic mutation, located in coding exon 15 of the APC gene, results from a deletion of one nucleotide at nucleotide position 4901, causing a translational frameshift with a predicted alternate stop codon (p.P1634Rfs*16). This alteration occurs at the 3' terminus of theAPC gene, is not expected to trigger nonsense-mediated mRNA decay, and impacts the last 43% of the protein. However, premature stop codons are typically deleterious in nature and a significant portion of the protein is affected (Ambry internal data). This variant has been observed in at least one individual with a personal and/or family history that is consistent with APC-associated disease (Ambry internal data). This variant is considered to be rare based on population cohorts in the Genome Aggregation Database (gnomAD). Based on the supporting evidence, this variant is interpreted as a disease-causing mutation.

Department of Molecular Diagnostics, Institute of Oncology Ljubljana
Classification: Pathogenic for Familial adenomatous polyposis 1. Last evaluated: 2018-10-24. Review status: criteria provided, single submitter. Criteria: ACMG Guidelines, 2015. Collection method: clinical testing. Allele origin: germline. Affected: yes.

Clinical Genetics and Genomics, Karolinska University Hospital
Classification: Pathogenic. Last evaluated: 2015-06-30. Review status: criteria provided, single submitter. Criteria: ACMG Guidelines, 2015. Collection method: clinical testing. Allele origin: germline. Affected: yes. Observed: 3 variant alleles.

Centre for Mendelian Genomics, University Medical Centre Ljubljana
Classification: Pathogenic for Adenomatous colonic polyposis. Last evaluated: 2014-06-17. Review status: criteria provided, single submitter. Criteria: ACMG Guidelines, 2015. Collection method: clinical testing. Allele origin: unknown. Affected: yes.